The following is an entry in ClinVar:

ClinVar aggregate classification (germline): Uncertain significance (1 of 4 stars; one submission).

Submission:

Ambry Genetics
Classification: Uncertain significance. Last evaluated: 2023-04-05. Review status: criteria provided, single submitter. Criteria: Ambry Variant Classification Scheme 2023. Collection method: clinical testing. Allele origin: germline.
Comment: The p.E168G variant (also known as c.503A>G), located in coding exon 1 of the TERF2IP gene, results from an A to G substitution at nucleotide position 503. The glutamic acid at codon 168 is replaced by glycine, an amino acid with similar properties. This amino acid position is conserved. In addition, the in silico prediction for this alteration is inconclusive. Since supporting evidence is limited at this time, the clinical significance of this alteration remains unclear.

NM_018975.4(TERF2IP):c.503A>G (p.Glu168Gly)

Gene: TERF2IP (TERF2 interacting protein; plus strand). Cytogenetic location: 16q23.1.
Variant type: single nucleotide variant.
Coding change: c.503A>G on transcript NM_018975.4 (MANE Select); coding-DNA position 503, A replaced by G.
Protein change: p.Glu168Gly; replaces glutamic acid 168 with glycine.
Molecular consequence: missense variant. On other transcripts: non-coding transcript variant (1).
Genome position (GRCh38, 1-based): chr16:75,648,385, A>G. VCF-style: chr16-75648385-A-G. GRCh37 (hg19) VCF-style: chr16-75682283-A-G.
Other names: short protein forms E168G.
Identifiers: ClinVar variation 2563456 (VCV002563456.2), dbSNP rs2507074532, ClinGen allele CA396818042.